The following is an entry in ClinVar:

NM_004260.4(RECQL4):c.463G>C (p.Val155Leu)

Gene: RECQL4 (RecQ like helicase 4; minus strand). Cytogenetic location: 8q24.3.
Variant type: single nucleotide variant.
Coding change: c.463G>C on transcript NM_004260.4 (MANE Select); coding-DNA position 463, G replaced by C.
Protein change: p.Val155Leu; replaces valine 155 with leucine.
Molecular consequence: missense variant.
Genome position (GRCh38, 1-based): chr8:144,516,656, C>G on the plus strand (G>C on the coding strand, the complement: RECQL4 is on the minus strand). VCF-style: chr8-144516656-C-G. GRCh37 (hg19) VCF-style: chr8-145742040-C-G.
Other names: c.463G>C, p.Val155Leu (NM_001413017.1, NM_001413018.1, NM_001413019.1 and 4 more transcripts); c.-609G>C (NM_001413022.1, NM_001413023.1, NM_001413024.1 and 5 more transcripts); c.334G>C, p.Val112Leu (NM_001413025.1); c.-671G>C (NM_001413027.1, NM_001413030.1, NM_001413031.1 and 2 more transcripts); c.-513G>C (NM_001413034.1); c.-878G>C (NM_001413043.1); c.463G>C (NM_004260.3); short protein forms V112L, V155L.
Identifiers: ClinVar variation 1924458 (VCV001924458.6), dbSNP rs2538099865, ClinGen allele CA372691382.
Genomic context (GRCh38, chr8:144,516,656, plus strand): 5'-GATGCTGGAGCCGGCCTGGCCTTGGCTGGGGCTCAGGGAGCTGTGGAGGCTCATCACTGA[C>G]TTTTTCTGCAAAGGAGGGGACAGGCCCTGTACCTGGGGGCTTTGGGGTGGATGCCTTAGA-3'
Protein context (NP_004251.4, residues 145-165): TGPVPSFAEK[Val155Leu]SDEPPQLPEP

ClinVar aggregate classification (germline): Uncertain significance. Review status: criteria provided, multiple submitters, no conflicts (2 of 4 stars). 2 submissions from 2 submitters: Uncertain significance (2). Last evaluated 2024-11-23.

Conditions:
Inborn genetic diseases. Identifiers: MedGen C0950123, MeSH D030342.
Baller-Gerold syndrome (BGS). Also called: CRANIOSYNOSTOSIS WITH RADIAL DEFECTS. Identifiers: Orphanet 1225, MedGen C0265308, MONDO:0009039, OMIM 218600.

Submissions (2):

Ambry Genetics
Classification: Uncertain significance for Inborn genetic diseases. Last evaluated: 2024-11-23. Review status: criteria provided, single submitter. Criteria: Ambry Variant Classification Scheme 2023. Collection method: clinical testing. Allele origin: germline.
Comment: The p.V155L variant (also known as c.463G>C), located in coding exon 5 of the RECQL4 gene, results from a G to C substitution at nucleotide position 463. The valine at codon 155 is replaced by leucine, an amino acid with highly similar properties. This amino acid position is conserved. In addition, this alteration is predicted to be tolerated by in silico analysis. Based on the available evidence, the clinical significance of this variant remains unclear.

Labcorp Genetics (formerly Invitae), Labcorp
Classification: Uncertain significance for Baller-Gerold syndrome. Last evaluated: 2022-08-31. Review status: criteria provided, single submitter. Criteria: Invitae Variant Classification Sherloc (09022015). Collection method: clinical testing. Allele origin: germline.
Comment: In summary, the available evidence is currently insufficient to determine the role of this variant in disease. Therefore, it has been classified as a Variant of Uncertain Significance. Experimental studies and prediction algorithms are not available or were not evaluated, and the functional significance of this variant is currently unknown. This variant has not been reported in the literature in individuals affected with RECQL4-related conditions. This variant is not present in population databases (gnomAD no frequency). This sequence change replaces valine, which is neutral and non-polar, with leucine, which is neutral and non-polar, at codon 155 of the RECQL4 protein (p.Val155Leu).